The following is an entry in ClinVar:

ClinVar aggregate classification (germline): Uncertain significance (1 of 4 stars; one submission).

gnomAD v4.1: 62 of 1,612,212 alleles (0.0038%); highest among the groups gnomAD compares: African/African-American, 0.025%; no homozygotes.

Submission:

Genetic Services Laboratory, University of Chicago
Classification: Uncertain significance. Last evaluated: 2023-08-23. Review status: criteria provided, single submitter. Criteria: ACMG Guidelines, 2015. Collection method: clinical testing. Allele origin: germline. Affected: no.
Comment: DNA sequence analysis of the RIPK4 gene demonstrated a sequence change, c.2237G>A, in exon 8 that results in an amino acid change, p.Arg746Gln. This sequence change does not appear to have been previously described in individuals with RIPK4-related disorders. This sequence change has been described in the gnomAD database with a frequency of 0.01% in the South Asian subpopulation (dbSNP rs144880660). The p.Arg746Gln change affects a poorly conserved amino acid residue located in a domain of the RIPK4 protein that is known to be functional. In-silico pathogenicity prediction tools (SIFT, PolyPhen2, Align GVGD, REVEL) provide contradictory results for the p.Arg746Gln substitution. Due to insufficient evidences and the lack of functional studies, the clinical significance of the p.Arg746Gln change remains unknown at this time.

NM_020639.3(RIPK4):c.2237G>A (p.Arg746Gln)

Gene: RIPK4 (receptor interacting serine/threonine kinase 4; minus strand). Cytogenetic location: 21q22.3.
Variant type: single nucleotide variant.
Coding change: c.2237G>A on transcript NM_020639.3 (MANE Select); coding-DNA position 2237, G replaced by A.
Protein change: p.Arg746Gln; replaces arginine 746 with glutamine.
Molecular consequence: missense variant.
Genome position (GRCh38, 1-based): chr21:41,740,956, C>T on the plus strand (G>A on the coding strand, the complement: RIPK4 is on the minus strand). VCF-style: chr21-41740956-C-T. GRCh37 (hg19) VCF-style: chr21-43161116-C-T.
Other names: short protein forms R746Q.
Identifiers: ClinVar variation 4082507 (VCV004082507.2).